The following is an entry in ClinVar:

NM_138576.4(BCL11B):c.263G>A (p.Cys88Tyr)

Gene: BCL11B (BCL11 transcription factor B; minus strand). Cytogenetic location: 14q32.2.
Variant type: single nucleotide variant.
Coding change: c.263G>A on transcript NM_138576.4 (MANE Select); coding-DNA position 263, G replaced by A.
Protein change: p.Cys88Tyr; replaces cysteine 88 with tyrosine.
Molecular consequence: missense variant.
Genome position (GRCh38, 1-based): chr14:99,257,635, C>T on the plus strand (G>A on the coding strand, the complement: BCL11B is on the minus strand). VCF-style: chr14-99257635-C-T. GRCh37 (hg19) VCF-style: chr14-99723972-C-T.
Other names: c.263G>A (NM_138576.2); c.260G>A, p.Cys87Tyr (NM_001282237.2, NM_001282238.2); c.263G>A, p.Cys88Tyr (NM_022898.3); short protein forms C87Y, C88Y.
Identifiers: ClinVar variation 1389812 (VCV001389812.7), dbSNP rs755787448, ClinGen allele CA7339928.

ClinVar aggregate classification (germline): Conflicting classifications of pathogenicity. Review status: criteria provided, conflicting classifications (1 of 4 stars). 2 submissions from 2 submitters: Uncertain significance (1); Likely benign (1). Last evaluated 2026-04-28.

Conditions:
Inborn genetic diseases. Identifiers: MedGen C0950123, MeSH D030342.

Allele frequency attached by ClinVar (database versions not stated): TOPMed below 0.00001; gnomAD exomes 0.00003 and 0.00001; gnomAD 0.00001; ExAC 0.00004.

Submissions (2):

Ambry Genetics
Classification: Likely benign for Inborn genetic diseases. Last evaluated: 2026-04-28. Review status: criteria provided, single submitter. Criteria: Ambry Variant Classification Scheme 2023. Collection method: clinical testing. Allele origin: germline.

Labcorp Genetics (formerly Invitae), Labcorp
Classification: Uncertain significance. Last evaluated: 2024-02-07. Review status: criteria provided, single submitter. Criteria: Invitae Variant Classification Sherloc (09022015). Collection method: clinical testing. Allele origin: germline.
Comment: This sequence change replaces cysteine, which is neutral and slightly polar, with tyrosine, which is neutral and polar, at codon 88 of the BCL11B protein (p.Cys88Tyr). This variant is present in population databases (rs755787448, gnomAD 0.004%). This variant has not been reported in the literature in individuals affected with BCL11B-related conditions. ClinVar contains an entry for this variant (Variation ID: 1389812). Advanced modeling of protein sequence and biophysical properties (such as structural, functional, and spatial information, amino acid conservation, physicochemical variation, residue mobility, and thermodynamic stability) performed at Invitae indicates that this missense variant is not expected to disrupt BCL11B protein function with a negative predictive value of 80%. In summary, the available evidence is currently insufficient to determine the role of this variant in disease. Therefore, it has been classified as a Variant of Uncertain Significance.